The following is an entry in ClinVar:

ClinVar aggregate classification (germline): Uncertain significance (1 of 4 stars; one submission).

Conditions:
Singleton-Merten syndrome 1 (SGMRT1). Also called: Widened medullary cavities of bone, aortic calcification, abnormal dentition, and muscular weakness; Syndrome of widened medullary cavities of the metacarpals and phalanges, aortic calcification and abnormal dentition. Identifiers: Orphanet 85191, MedGen C4225427, MONDO:0024535, OMIM 182250.
Aicardi-Goutieres syndrome 7 (AGS7). Identifiers: Orphanet 51, MedGen C3888244, MONDO:0014367, OMIM 615846.

gnomAD v4.1: 1 of 1,612,882 alleles (0.000062%); no homozygotes.

Submission:

Labcorp Genetics (formerly Invitae), Labcorp
Classification: Uncertain significance for Aicardi-Goutieres syndrome 7; Singleton-Merten syndrome 1. Last evaluated: 2023-11-18. Review status: criteria provided, single submitter. Criteria: Invitae Variant Classification Sherloc (09022015). Collection method: clinical testing. Allele origin: germline.
Comment: This sequence change replaces isoleucine, which is neutral and non-polar, with leucine, which is neutral and non-polar, at codon 903 of the IFIH1 protein (p.Ile903Leu). This variant is not present in population databases (gnomAD no frequency). This variant has not been reported in the literature in individuals affected with IFIH1-related conditions. This missense change has been observed in at least one individual who was not affected with IFIH1-related conditions (Invitae). Advanced modeling of protein sequence and biophysical properties (such as structural, functional, and spatial information, amino acid conservation, physicochemical variation, residue mobility, and thermodynamic stability) has been performed at Invitae for this missense variant, however the output from this modeling did not meet the statistical confidence thresholds required to predict the impact of this variant on IFIH1 protein function. In summary, the available evidence is currently insufficient to determine the role of this variant in disease. Therefore, it has been classified as a Variant of Uncertain Significance.

NM_022168.4(IFIH1):c.2707A>T (p.Ile903Leu)

Gene: IFIH1 (interferon induced with helicase C domain 1; minus strand). Cytogenetic location: 2q24.2.
Variant type: single nucleotide variant.
Coding change: c.2707A>T on transcript NM_022168.4 (MANE Select); coding-DNA position 2707, A replaced by T.
Protein change: p.Ile903Leu; replaces isoleucine 903 with leucine.
Molecular consequence: missense variant.
Genome position (GRCh38, 1-based): chr2:162,268,187, T>A on the plus strand (A>T on the coding strand, the complement: IFIH1 is on the minus strand). VCF-style: chr2-162268187-T-A. GRCh37 (hg19) VCF-style: chr2-163124697-T-A.
Other names: short protein forms I903L.
Identifiers: ClinVar variation 2952109 (VCV002952109.3), dbSNP rs2468944616, ClinGen allele CA348991383.